The following is an entry in ClinVar:

ClinVar aggregate classification (germline): Likely pathogenic. Review status: criteria provided, multiple submitters, no conflicts (2 of 4 stars). 2 submissions from 2 submitters: Likely pathogenic (2). Last evaluated 2024-10-20.

Conditions:
Ehlers-Danlos syndrome, type 4 (EDSVASC). Also called: Ehlers-Danlos syndrome vascular type; Ehlers Danlos syndrome, ecchymotic type; Ehlers Danlos syndrome, arterial type; Ehlers Danlos syndrome, Sack-Barabas type; Ehlers-Danlos Syndrome Type IV. Identifiers: Orphanet 286, MedGen C0268338, MONDO:0017314, OMIM 130050.
COL3A1-related disorder. Also called: COL3A1-related condition.

Submissions (2):

Labcorp Genetics (formerly Invitae), Labcorp
Classification: Likely pathogenic for Ehlers-Danlos syndrome, type 4. Last evaluated: 2024-10-20. Review status: criteria provided, single submitter. Criteria: Invitae Variant Classification Sherloc (09022015). Collection method: clinical testing. Allele origin: germline.
Comment: This sequence change replaces glycine, which is neutral and non-polar, with arginine, which is basic and polar, at codon 369 of the COL3A1 protein (p.Gly369Arg). This variant is not present in population databases (gnomAD no frequency). This variant has not been reported in the literature in individuals affected with COL3A1-related conditions. ClinVar contains an entry for this variant (Variation ID: 1467833). Invitae Evidence Modeling of protein sequence and biophysical properties (such as structural, functional, and spatial information, amino acid conservation, physicochemical variation, residue mobility, and thermodynamic stability) indicates that this missense variant is expected to disrupt COL3A1 protein function with a positive predictive value of 95%. This variant disrupts the triple helix domain of COL3A1. Glycine residues within the Gly-Xaa-Yaa repeats of the triple helix domain are required for the structure and stability of fibrillar collagens (PMID: 7695699, 8218237, 19344236). In COL3A1, variants that affect these glycine residues are significantly enriched in individuals with disease (PMID: 24922459, 25758994) compared to the general population (ExAC). In summary, the currently available evidence indicates that the variant is pathogenic, but additional data are needed to prove that conclusively. Therefore, this variant has been classified as Likely Pathogenic.

Blueprint Genetics
Classification: Likely pathogenic for COL3A1-related disorders. Last evaluated: 2023-04-25. Review status: criteria provided, single submitter. Criteria: ACMG Guidelines, 2015. Collection method: clinical testing. Allele origin: germline. Affected: yes. Observed: 5 variant alleles.

Literature cited by the submitters: PubMed 7695699 (cited by Labcorp Genetics (formerly Invitae), Labcorp); PubMed 8218237 (cited by Labcorp Genetics (formerly Invitae), Labcorp); PubMed 19344236 (cited by Labcorp Genetics (formerly Invitae), Labcorp); PubMed 24922459 (cited by Labcorp Genetics (formerly Invitae), Labcorp); PubMed 25758994 (cited by Labcorp Genetics (formerly Invitae), Labcorp).

NM_000090.4(COL3A1):c.1105G>C (p.Gly369Arg)

Gene: COL3A1 (collagen type III alpha 1 chain; plus strand). Cytogenetic location: 2q32.2.
Variant type: single nucleotide variant.
Coding change: c.1105G>C on transcript NM_000090.4 (MANE Select); coding-DNA position 1105, G replaced by C.
Protein change: p.Gly369Arg; replaces glycine 369 with arginine.
Molecular consequence: missense variant.
Genome position (GRCh38, 1-based): chr2:188,993,415, G>C. VCF-style: chr2-188993415-G-C. GRCh37 (hg19) VCF-style: chr2-189858141-G-C.
Other names: short protein forms G369R.
Identifiers: ClinVar variation 1467833 (VCV001467833.7), dbSNP rs868138294, ClinGen allele CA349850948.